The following is an entry in ClinVar:

NM_001320714.2(DOP1B):c.636C>T (p.Pro212=)

Gene: DOP1B (DOP1 leucine zipper like protein B; plus strand). Cytogenetic location: 21q22.12.
Variant type: single nucleotide variant.
Coding change: c.636C>T on transcript NM_001320714.2 (MANE Select); coding-DNA position 636, C replaced by T.
Protein change: p.Pro212=; no amino-acid change (proline 212 retained).
Molecular consequence: synonymous variant.
Genome position (GRCh38, 1-based): chr21:36,208,859, C>T. VCF-style: chr21-36208859-C-T. GRCh37 (hg19) VCF-style: chr21-37581157-C-T.
Other names: c.636C>T, p.Pro212= (NM_005128.4).
Identifiers: ClinVar variation 2652640 (VCV002652640.24), dbSNP rs142768435, ClinGen allele CA10016011.
Genomic context (GRCh38, chr21:36,208,859, plus strand): 5'-CCCGTCCATCCGCCTCCCTGCCTCAGTCTTCGTGGTGGGCCACATCAACAGGGATGCCCC[C>T]GGCCGGGAGCAGAAGTACATGCTGGGGACCAATCACCAACTCACGGTGGGTGCTGTGTTC-3'
Protein context (NP_001307643.1, residues 202-222): FVVGHINRDA[Pro212=]GREQKYMLGT

ClinVar aggregate classification (germline): Likely benign (1 of 4 stars; one submission).

Allele frequency attached by ClinVar (database versions not stated): ExAC 0.00056; TOPMed 0.00056; gnomAD 0.00069; 1000 Genomes Project 30x 0.00094; 1000 Genomes Project 0.00100; ESP Exome Variant Server 0.00100.
gnomAD v4.1: 1,196 of 1,569,566 alleles (0.076%); highest among the groups gnomAD compares: Non-Finnish European, 0.095%; no homozygotes.

Submission:

CeGaT Center for Human Genetics Tuebingen
Classification: Likely benign. Last evaluated: 2023-03-01. Review status: criteria provided, single submitter. Criteria: CeGaT Center For Human Genetics Tuebingen Variant Classification Criteria Version 2. Collection method: clinical testing. Allele origin: germline. Affected: yes. Observed: 1 variant allele.
Comment: DOP1B: BP4, BP7